The following is an entry in ClinVar:

ClinVar aggregate classification (germline): Benign. Review status: criteria provided, multiple submitters, no conflicts (2 of 4 stars). 2 submissions from 2 submitters: Benign (2). Last evaluated 2018-01-13.

Conditions:
Bardet-Biedl syndrome 7 (BBS7). Identifiers: Orphanet 110, MedGen C1859565, MONDO:0014435, OMIM 615984.

Allele frequency attached by ClinVar (database versions not stated): 1000 Genomes Project 30x 0.27420; 1000 Genomes Project 0.27676; TOPMed 0.29021; gnomAD 0.29292 and 0.29900; gnomAD exomes 0.37134.
gnomAD v4.1: 46,230 of 153,848 alleles (30%); highest among the groups gnomAD compares: East Asian, 44%; 8,473 homozygotes.

Submissions (2):

Illumina Laboratory Services, Illumina
Classification: Benign for Bardet-Biedl syndrome 7. Last evaluated: 2018-01-13. Review status: criteria provided, single submitter. Criteria: ICSL Variant Classification Criteria 13 December 2019. Collection method: clinical testing. Allele origin: germline.
Comment: This variant was observed in the ICSL laboratory as part of a predisposition screen in an ostensibly healthy population. It had not been previously curated by ICSL or reported in the Human Gene Mutation Database (HGMD: prior to June 1st, 2018), and was therefore a candidate for classification through an automated scoring system. Utilizing variant allele frequency, disease prevalence and penetrance estimates, and inheritance mode, an automated score was calculated to assess if this variant is too frequent to cause the disease. Based on the score and internal cut-off values, a variant classified as benign is not then subjected to further curation. The score for this variant resulted in a classification of benign for this disease.

Breakthrough Genomics
Classification: Benign. Review status: criteria provided, single submitter. Criteria: ACMG Guidelines, 2015. Collection method: not provided. Allele origin: germline. Inheritance: Autosomal recessive inheritance. Affected: yes.

NM_176824.3(BBS7):c.*419T>A

Gene: BBS7 (Bardet-Biedl syndrome 7; minus strand). Cytogenetic location: 4q27.
Variant type: single nucleotide variant.
Coding change: c.*419T>A on transcript NM_176824.3 (MANE Select); 419 bases downstream of the stop codon, T replaced by A.
Molecular consequence: 3 prime UTR variant.
Genome position (GRCh38, 1-based): chr4:121,825,441, A>T on the plus strand (T>A on the coding strand, the complement: BBS7 is on the minus strand). VCF-style: chr4-121825441-A-T. GRCh37 (hg19) VCF-style: chr4-122746596-A-T.
Identifiers: ClinVar variation 347476 (VCV000347476.6), dbSNP rs3762840, ClinGen allele CA10620039.